The following is an entry in ClinVar:

ClinVar aggregate classification (germline): Uncertain significance (1 of 4 stars; one submission).

Allele frequency attached by ClinVar (database versions not stated): gnomAD exomes below 0.00001.
gnomAD v4.1: 1 of 1,614,040 alleles (0.000062%); highest among the groups gnomAD compares: Admixed American, 0.0017%; no homozygotes.

Submission:

Labcorp Genetics (formerly Invitae), Labcorp
Classification: Uncertain significance. Last evaluated: 2022-01-14. Review status: criteria provided, single submitter. Criteria: Invitae Variant Classification Sherloc (09022015). Collection method: clinical testing. Allele origin: germline.
Comment: In summary, the available evidence is currently insufficient to determine the role of this variant in disease. Therefore, it has been classified as a Variant of Uncertain Significance. This sequence change replaces serine, which is neutral and polar, with leucine, which is neutral and non-polar, at codon 533 of the IMPG2 protein (p.Ser533Leu). This variant is not present in population databases (gnomAD no frequency). This variant has not been reported in the literature in individuals affected with IMPG2-related conditions. Algorithms developed to predict the effect of missense changes on protein structure and function are either unavailable or do not agree on the potential impact of this missense change (SIFT: "Deleterious"; PolyPhen-2: "Probably Damaging"; Align-GVGD: "Class C15").

NM_016247.4(IMPG2):c.1598C>T (p.Ser533Leu)

Gene: IMPG2 (interphotoreceptor matrix proteoglycan 2; minus strand). Cytogenetic location: 3q12.3.
Variant type: single nucleotide variant.
Coding change: c.1598C>T on transcript NM_016247.4 (MANE Select); coding-DNA position 1598, C replaced by T.
Protein change: p.Ser533Leu; replaces serine 533 with leucine.
Molecular consequence: missense variant.
Genome position (GRCh38, 1-based): chr3:101,244,733, G>A on the plus strand (C>T on the coding strand, the complement: IMPG2 is on the minus strand). VCF-style: chr3-101244733-G-A. GRCh37 (hg19) VCF-style: chr3-100963577-G-A.
Other names: short protein forms S533L.
Identifiers: ClinVar variation 2082707 (VCV002082707.4), dbSNP rs1336939376, ClinGen allele CA353860522.